The following is an entry in ClinVar:

ClinVar aggregate classification (germline): Uncertain significance (1 of 4 stars; one submission).

Submission:

CeGaT Center for Human Genetics Tuebingen
Classification: Uncertain significance. Last evaluated: 2022-03-01. Review status: criteria provided, single submitter. Criteria: CeGaT Center For Human Genetics Tuebingen Variant Classification Criteria Version 2. Collection method: clinical testing. Allele origin: germline. Affected: yes. Observed: 1 variant allele.
Comment: SLC25A24: PM2, PP3

NM_013386.5(SLC25A24):c.1076G>T (p.Gly359Val)

Gene: SLC25A24 (solute carrier family 25 member 24; minus strand). Cytogenetic location: 1p13.3.
Variant type: single nucleotide variant.
Coding change: c.1076G>T on transcript NM_013386.5 (MANE Select); coding-DNA position 1076, G replaced by T.
Protein change: p.Gly359Val; replaces glycine 359 with valine.
Molecular consequence: missense variant.
Genome position (GRCh38, 1-based): chr1:108,143,565, C>A on the plus strand (G>T on the coding strand, the complement: SLC25A24 is on the minus strand). VCF-style: chr1-108143565-C-A. GRCh37 (hg19) VCF-style: chr1-108686187-C-A.
Other names: c.1019G>T, p.Gly340Val (NM_213651.3); short protein forms G340V, G359V.
Identifiers: ClinVar variation 2638961 (VCV002638961.24), dbSNP rs2524020442, ClinGen allele CA341188219.